The following is an entry in ClinVar:

ClinVar aggregate classification (germline): Conflicting classifications of pathogenicity. Review status: criteria provided, conflicting classifications (1 of 4 stars). 2 submissions from 2 submitters: Pathogenic (1); Uncertain significance (1). Last evaluated 2026-02-23.

Submissions (2):

GeneDx
Classification: Pathogenic. Last evaluated: 2026-02-23. Review status: criteria provided, single submitter. Criteria: GeneDx Variant Classification Process June 2021. Collection method: clinical testing. Allele origin: germline.
Comment: Reported previously in a fetus with increased nuchal translucency (PMID: 29907801); Not observed at significant frequency in large population cohorts (gnomAD); Missense variants in this gene are a common cause of disease and they are underrepresented in the general population; In silico analysis suggests that this missense variant does not alter protein structure/function; This variant is associated with the following publications: (PMID: 30050098, 29907801, 19156172, 22177953, 22753777, 25370473, 26399658, 29493581)

Women's Health and Genetics/Laboratory Corporation of America, LabCorp
Classification: Uncertain significance. Last evaluated: 2016-05-09. Review status: criteria provided, single submitter. Criteria: LabCorp Variant Classification Summary - May 2015. Collection method: clinical testing. Allele origin: germline.
Comment: Variant summary: The MAP2K2 c.170T>A (p.Phe57Tyr) variant involves the alteration of a conserved nucleotide. 3/4 in silico tools predict a damaging outcome (SNPs&GO is not captured due to low reliability index). This variant is absent from 121104 control chromosomes. The variant of interest has not, to our knowledge, been reported in affected individuals via publications and/or reputable databases/clinical diagnostic laboratories, nor evaluated for functional impact by in vivo/vitro studies. The Phe57 codon is conserved across species and appears to be a mutational hot spot; alterations of this codon (Phe57Cys, Phe57Ile, Phe57Leu, and Phe57val) were reported in multiple individuals diagnosed with CFC, suggesting that missense changes at this residue are not tolerated. Taken together, the variant was classified as VUS-Possibly Pathogenic until additional information becomes available.

NM_030662.4(MAP2K2):c.170T>A (p.Phe57Tyr)

Gene: MAP2K2 (mitogen-activated protein kinase kinase 2; minus strand). Cytogenetic location: 19p13.3.
Variant type: single nucleotide variant.
Coding change: c.170T>A on transcript NM_030662.4 (MANE Select); coding-DNA position 170, T replaced by A.
Protein change: p.Phe57Tyr; replaces phenylalanine 57 with tyrosine.
Molecular consequence: missense variant.
Genome position (GRCh38, 1-based): chr19:4,117,552, A>T on the plus strand (T>A on the coding strand, the complement: MAP2K2 is on the minus strand). VCF-style: chr19-4117552-A-T. GRCh37 (hg19) VCF-style: chr19-4117550-A-T.
Other names: short protein forms F57Y.
Identifiers: ClinVar variation 496473 (VCV000496473.2), dbSNP rs121434497, ClinGen allele CA403392733.
Genomic context (GRCh38, chr19:4,117,552, plus strand): 5'-TCTGAGATCCTTTCGAAGTCATCGTCTTTGAGTTCGCCGACCTTGGCTTTCTGGGTGAGA[A>T]AGGCTTCCAGCCGCTTCTTCTGCTGCTCGTCAAGTTCCAGCTCCTCCAGCTTCTTCTGCA-3'
Protein context (NP_109587.1, residues 47-67): DEQQKKRLEA[Phe57Tyr]LTQKAKVGEL